The following is an entry in ClinVar:

NM_001160148.2(DDHD1):c.1191A>G (p.Thr397=)

Gene: DDHD1 (DDHD domain containing 1; minus strand). Cytogenetic location: 14q22.1.
Variant type: single nucleotide variant.
Coding change: c.1191A>G on transcript NM_001160148.2 (MANE Select); coding-DNA position 1191, A replaced by G.
Protein change: p.Thr397=; no amino-acid change (threonine 397 retained).
Molecular consequence: synonymous variant.
Genome position (GRCh38, 1-based): chr14:53,091,883, T>C on the plus strand (A>G on the coding strand, the complement: DDHD1 is on the minus strand). VCF-style: chr14-53091883-T-C. GRCh37 (hg19) VCF-style: chr14-53558601-T-C.
Other names: p.Thr404=; c.1212A>G, p.Thr404= (NM_001160147.2); c.1191A>G, p.Thr397= (NM_030637.3).
Identifiers: ClinVar variation 415255 (VCV000415255.39), dbSNP rs139838546, ClinGen allele CA7191301.

ClinVar aggregate classification (germline): Benign/Likely benign. Review status: criteria provided, multiple submitters, no conflicts (2 of 4 stars). 5 submissions from 5 submitters: Benign (1); Likely benign (4). Last evaluated 2025-12-27.

Conditions:
Hereditary spastic paraplegia 28. Also called: Spastic paraplegia 28, autosomal recessive. Identifiers: Orphanet 101008, MedGen C1836295, MONDO:0012256, OMIM 609340.

Allele frequency attached by ClinVar (database versions not stated): 1000 Genomes Project 30x 0.00016; 1000 Genomes Project 0.00020; TOPMed 0.00045; ESP Exome Variant Server 0.00054; gnomAD 0.00110 and 0.00123; gnomAD exomes 0.00150; ExAC 0.00173.
gnomAD v4.1: 1,582 of 1,613,712 alleles (0.098%); highest among the groups gnomAD compares: Non-Finnish European, 0.085%; 2 homozygotes.

Submissions (5):

Labcorp Genetics (formerly Invitae), Labcorp
Classification: Benign for Hereditary spastic paraplegia 28. Last evaluated: 2025-12-27. Review status: criteria provided, single submitter. Criteria: Invitae Variant Classification Sherloc (09022015). Collection method: clinical testing. Allele origin: germline.

Mayo Clinic Laboratories, Mayo Clinic
Classification: Likely benign. Last evaluated: 2024-12-12. Review status: criteria provided, single submitter. Criteria: ACMG Guidelines, 2015. Collection method: clinical testing. Allele origin: germline. Observed: 4 variant alleles.
Comment: BS1, BP4, BP7

Blueprint Genetics
Classification: Likely benign. Last evaluated: 2024-11-25. Review status: criteria provided, single submitter. Criteria: ACMG Guidelines, 2015. Collection method: clinical testing. Allele origin: germline.

CeGaT Center for Human Genetics Tuebingen
Classification: Likely benign. Last evaluated: 2023-04-01. Review status: criteria provided, single submitter. Criteria: CeGaT Center For Human Genetics Tuebingen Variant Classification Criteria Version 2. Collection method: clinical testing. Allele origin: germline. Affected: yes. Observed: 2 variant alleles.
Comment: DDHD1: BP4, BP7

GeneDx
Classification: Likely benign. Last evaluated: 2018-01-16. Review status: criteria provided, single submitter. Criteria: GeneDx Variant Classification (06012015). Collection method: clinical testing. Allele origin: germline. Affected: yes.
Comment: This variant is considered likely benign or benign based on one or more of the following criteria: it is a conservative change, it occurs at a poorly conserved position in the protein, it is predicted to be benign by multiple in silico algorithms, and/or has population frequency not consistent with disease.